The following is an entry in ClinVar:

ClinVar aggregate classification (germline): Conflicting classifications of pathogenicity. Review status: criteria provided, conflicting classifications (1 of 4 stars). 4 submissions from 4 submitters: Uncertain significance (1); Likely benign (3). Last evaluated 2026-03-18.

Conditions:
Charcot-Marie-Tooth disease dominant intermediate E. Also called: CHARCOT-MARIE-TOOTH NEUROPATHY WITH FOCAL SEGMENTAL GLOMERULONEPHRITIS. Identifiers: Orphanet 93114, MedGen C4302667, MONDO:0013758, OMIM 614455.
Focal segmental glomerulosclerosis 5 (FSGS5). Identifiers: Orphanet 656, MedGen C2750475, MONDO:0013191, OMIM 613237.
INF2-related disorder. Also called: INF2-related condition.
Inborn genetic diseases. Identifiers: MedGen C0950123, MeSH D030342.

Submissions (4):

PreventionGenetics, part of Exact Sciences
Classification: Likely benign for INF2-related condition. Last evaluated: 2026-03-18. Review status: criteria provided, single submitter. Criteria: ACMG Guidelines, 2015. Collection method: clinical testing. Allele origin: germline.
Comment: This variant is classified as likely benign based on ACMG/AMP sequence variant interpretation guidelines (Richards et al. 2015 PMID: 25741868, with internal and published modifications).

Mayo Clinic Laboratories, Mayo Clinic
Classification: Likely benign. Last evaluated: 2025-07-09. Review status: criteria provided, single submitter. Criteria: ACMG Guidelines, 2015. Collection method: clinical testing. Allele origin: germline. Observed: 1 variant allele.
Comment: BS2

Labcorp Genetics (formerly Invitae), Labcorp
Classification: Uncertain significance for Charcot-Marie-Tooth disease dominant intermediate E; Focal segmental glomerulosclerosis 5. Last evaluated: 2025-05-05. Review status: criteria provided, single submitter. Criteria: Invitae Variant Classification Sherloc (09022015). Collection method: clinical testing. Allele origin: germline.
Comment: This variant, c.3525_3530del, results in the deletion of 2 amino acid(s) of the INF2 protein (p.Asp1175_Glu1176del), but otherwise preserves the integrity of the reading frame. This variant is present in population databases (rs748373029, gnomAD 0.008%). This variant has not been reported in the literature in individuals affected with INF2-related conditions. Experimental studies and prediction algorithms are not available or were not evaluated, and the functional significance of this variant is currently unknown. In summary, the available evidence is currently insufficient to determine the role of this variant in disease. Therefore, it has been classified as a Variant of Uncertain Significance.

Ambry Genetics
Classification: Likely benign for Inborn genetic diseases. Last evaluated: 2020-08-11. Review status: criteria provided, single submitter. Criteria: Ambry Variant Classification Scheme 2023. Collection method: clinical testing. Allele origin: germline.

NM_022489.4(INF2):c.3519CGAGGA[1] (p.1171DE[2])

Gene: INF2 (inverted formin 2; plus strand). Cytogenetic location: 14q32.33.
Variant type: Microsatellite.
Coding change: c.3519CGAGGA[1] on transcript NM_022489.4 (MANE Select); one copy of the 6-base unit CGAGGA starting at c.3519; the reference has two copies in a row; one copy, 6 bases deleted; also written c.3525_3530del.
Protein change: p.1171DE[2].
Molecular consequence: inframe deletion.
Genome position (GRCh38, 1-based): chr14:104,714,687-104,714,692, CGAGGA deleted; deleting any 6 consecutive bases within chr14:104,714,676-104,714,692 gives the same sequence; the position shown is the placement nearest the transcript's 3' end. VCF-style (leftmost placement, unchanged base first): chr14-104714675-TGAGGAC-T. GRCh37 (hg19) VCF-style: chr14-105181012-TGAGGAC-T.
Other names: p.Asp1175_Glu1176del; c.3519CGAGGA[1], p.1171DE[2] (NM_001031714.4); c.3525_3530del (NM_022489.4); c.3525_3530del6 (NM_022489.3).
Identifiers: ClinVar variation 662260 (VCV000662260.12), dbSNP rs748373029, ClinGen allele CA7373284.